The following is an entry in ClinVar:

NM_000276.4(OCRL):c.1822dup (p.Ser608fs)

Gene: OCRL (OCRL inositol polyphosphate-5-phosphatase; plus strand). Cytogenetic location: Xq26.1.
Variant type: Duplication.
Coding change: c.1822dup on transcript NM_000276.4 (MANE Select); coding-DNA position 1822, one base duplicated (A; older notation c.1822dupA).
Protein change: p.Ser608fs; shifts the reading frame from serine 608.
Molecular consequence: frameshift variant.
Genome position (GRCh38, 1-based): chrX:129,576,005, A duplicated. VCF-style (leftmost placement, unchanged base first): chrX-129576004-C-CA. GRCh37 (hg19) VCF-style: chrX-128709981-C-CA.
Other names: c.1825dup, p.Ser609fs (NM_001318784.2); c.1822dup, p.Ser608fs (NM_001587.4); short protein forms S608fs, S609fs.
Identifiers: ClinVar variation 2095106 (VCV002095106.4), dbSNP rs2521920444, ClinGen allele CA2580101453.
Genomic context (GRCh38, chrX:129,576,004, plus strand): 5'-CCAGATCAGCAACAATGGACAGGTTCCCTGCCATTTTTCTTTCATCCCTAAACTTAATGA[C>CA]AGCCAGTACTGCAAGCCATGGCTTCGGGCTGAACCTTTTGAGGGCTACTTGGAGCCAAGT-3'

ClinVar aggregate classification (germline): Pathogenic (1 of 4 stars; one submission).

Conditions:
Lowe syndrome (OCRL). Also called: LOWE OCULOCEREBRORENAL SYNDROME; PHOSPHATIDYLINOSITOL 4,5-BISPHOSPHATE 5-PHOSPHATASE DEFICIENCY; Oculocerebrorenal Syndrome. Identifiers: Orphanet 534, MedGen C0028860, MONDO:0010645, OMIM 309000.

Submission:

Labcorp Genetics (formerly Invitae), Labcorp
Classification: Pathogenic for Lowe syndrome. Last evaluated: 2022-06-08. Review status: criteria provided, single submitter. Criteria: Invitae Variant Classification Sherloc (09022015). Collection method: clinical testing. Allele origin: germline.
Comment: This variant has not been reported in the literature in individuals affected with OCRL-related conditions. For these reasons, this variant has been classified as Pathogenic. This variant is not present in population databases (gnomAD no frequency). This sequence change creates a premature translational stop signal (p.Ser608Lysfs*11) in the OCRL gene. It is expected to result in an absent or disrupted protein product. Loss-of-function variants in OCRL are known to be pathogenic (PMID: 19390221, 21031565, 22381590).

Literature cited by the submitters: PubMed 19390221; PubMed 21031565; PubMed 22381590.